The following is an entry in ClinVar:

ClinVar aggregate classification (germline): Uncertain significance (1 of 4 stars; one submission).

Conditions:
Achondrogenesis, type IB (ACG1B). Also called: Achondrogenesis Type 1B. Identifiers: Orphanet 932, Orphanet 93298, MedGen C0265274, MONDO:0010966, OMIM 600972.
Atelosteogenesis type II (AO2). Also called: NEONATAL OSSEOUS DYSPLASIA I; Neonatal osseous dysplasia 1; SLC26A2-Related Atelosteogenesis. Identifiers: Orphanet 56304, MedGen C1850554, MONDO:0009727, OMIM 256050.
Diastrophic dysplasia (DTD). Also called: Diastrophic dwarfism. Identifiers: Orphanet 628, MedGen C0220726, MONDO:0009107, OMIM 222600.
Multiple epiphyseal dysplasia type 4 (EDM4). Also called: SLC26A2-Related Multiple Epiphyseal Dysplasia; Multiple Epiphyseal Dysplasia, Recessive; MULTIPLE EPIPHYSEAL DYSPLASIA WITH BILAYERED PATELLAE; MULTIPLE EPIPHYSEAL DYSPLASIA WITH CLUBFOOT; MULTIPLE EPIPHYSEAL DYSPLASIA, AUTOSOMAL RECESSIVE. Identifiers: Orphanet 93307, MedGen C1847593, MONDO:0009189, OMIM 226900.

Submission:

Labcorp Genetics (formerly Invitae), Labcorp
Classification: Uncertain significance for Atelosteogenesis type II; Multiple epiphyseal dysplasia type 4; Achondrogenesis, type IB; Diastrophic dysplasia. Last evaluated: 2025-12-08. Review status: criteria provided, single submitter. Criteria: Invitae Variant Classification Sherloc (09022015). Collection method: clinical testing. Allele origin: germline.
Comment: This sequence change replaces arginine, which is basic and polar, with leucine, which is neutral and non-polar, at codon 158 of the SLC26A2 protein (p.Arg158Leu). This variant is not present in population databases (gnomAD no frequency). This variant has not been reported in the literature in individuals affected with SLC26A2-related conditions. ClinVar contains an entry for this variant (Variation ID: 1388246). Invitae Evidence Modeling of protein sequence and biophysical properties (such as structural, functional, and spatial information, amino acid conservation, physicochemical variation, residue mobility, and thermodynamic stability) indicates that this missense variant is expected to disrupt SLC26A2 protein function with a positive predictive value of 80%. In summary, the available evidence is currently insufficient to determine the role of this variant in disease. Therefore, it has been classified as a Variant of Uncertain Significance.

NM_000112.4(SLC26A2):c.473G>T (p.Arg158Leu)

Gene: SLC26A2 (solute carrier family 26 member 2; plus strand). Cytogenetic location: 5q32.
Variant type: single nucleotide variant.
Coding change: c.473G>T on transcript NM_000112.4 (MANE Select); coding-DNA position 473, G replaced by T.
Protein change: p.Arg158Leu; replaces arginine 158 with leucine.
Molecular consequence: missense variant.
Genome position (GRCh38, 1-based): chr5:149,978,125, G>T. VCF-style: chr5-149978125-G-T. GRCh37 (hg19) VCF-style: chr5-149357688-G-T.
Other names: short protein forms R158L.
Identifiers: ClinVar variation 1388246 (VCV001388246.6), dbSNP rs143658243, ClinGen allele CA361705066.
Genomic context (GRCh38, chr5:149,978,125, plus strand): 5'-TCTATGGTCTGTACACATCTTTTTTTGCCAGCATCATTTATTTTCTCTTGGGTACCTCCC[G>T]TCACATCTCTGTGGGCATTTTTGGAGTACTGTGCCTTATGATTGGTGAGACAGTTGACCG-3'
Protein context (NP_000103.2, residues 148-168): SIIYFLLGTS[Arg158Leu]HISVGIFGVL